The following is an entry in ClinVar:

NM_005068.3(SIM1):c.1970G>A (p.Arg657Gln)

Gene: SIM1 (SIM bHLH transcription factor 1; minus strand). Cytogenetic location: 6q16.3.
Variant type: single nucleotide variant.
Coding change: c.1970G>A on transcript NM_005068.3 (MANE Select); coding-DNA position 1970, G replaced by A.
Protein change: p.Arg657Gln; replaces arginine 657 with glutamine.
Molecular consequence: missense variant.
Genome position (GRCh38, 1-based): chr6:100,390,692, C>T on the plus strand (G>A on the coding strand, the complement: SIM1 is on the minus strand). VCF-style: chr6-100390692-C-T. GRCh37 (hg19) VCF-style: chr6-100838568-C-T.
Other names: c.1970G>A, p.Arg657Gln (NM_001374769.1); short protein forms R657Q.
Identifiers: ClinVar variation 3061682 (VCV003061682.2), dbSNP rs764839085, ClinGen allele CA3936903.

ClinVar aggregate classification (germline): Uncertain significance (0 of 4 stars; one submission).

Conditions:
SIM1-related disorder. Also called: SIM1-related disorders; SIM1-related condition.

Allele frequency attached by ClinVar (database versions not stated): ExAC 0.00002; TOPMed 0.00004.
gnomAD v4.1: 33 of 1,613,934 alleles (0.002%); highest among the groups gnomAD compares: East Asian, 0.0045%; no homozygotes.

Submission:

PreventionGenetics, part of Exact Sciences
Classification: Uncertain significance for SIM1-related condition. Last evaluated: 2024-02-23. Review status: no assertion criteria provided. Collection method: clinical testing. Allele origin: germline.
Comment: The SIM1 c.1970G>A variant is predicted to result in the amino acid substitution p.Arg657Gln. To our knowledge, this variant has not been reported in the literature. This variant is reported in 0.0062% of alleles in individuals of African descent in gnomAD. At this time, the clinical significance of this variant is uncertain due to the absence of conclusive functional and genetic evidence.